The following is an entry in ClinVar:

ClinVar aggregate classification (germline): Uncertain significance. Review status: criteria provided, multiple submitters, no conflicts (2 of 4 stars). 2 submissions from 2 submitters: Uncertain significance (2). Last evaluated 2026-08-21.

Conditions:
Charcot-Marie-Tooth disease axonal type 2Z. Also called: CHARCOT-MARIE-TOOTH DISEASE, AXONAL, AUTOSOMAL DOMINANT, TYPE 2Z; CHARCOT-MARIE-TOOTH NEUROPATHY, TYPE 2Z. Identifiers: Orphanet 466768, MedGen C5569025, MONDO:0014736, OMIM 616688.
MORC2-related disorder. Also called: MORC2-related condition.

Allele frequency attached by ClinVar (database versions not stated): gnomAD exomes below 0.00001 and 0.00001; ExAC 0.00002; gnomAD 0.00006 and 0.00007; TOPMed 0.00018; 1000 Genomes Project 30x 0.00031; 1000 Genomes Project 0.00040.
gnomAD v4.1: 17 of 1,614,104 alleles (0.0011%); highest among the groups gnomAD compares: Admixed American, 0.022%; no homozygotes.

Submissions (2):

PreventionGenetics, part of Exact Sciences
Classification: Uncertain significance for MORC2-related condition. Last evaluated: 2026-08-21. Review status: criteria provided, single submitter. Criteria: ACMG Guidelines, 2015. Collection method: clinical testing. Allele origin: germline.
Comment: The MORC2 c.2203A>G variant is predicted to result in the amino acid substitution p.Ser735Gly. To our knowledge, this variant has not been reported in the literature. This variant is reported in 0.0028% of alleles in individuals of Latino descent in gnomAD. At this time, the clinical significance of this variant is uncertain due to the absence of conclusive functional and genetic evidence.

Labcorp Genetics (formerly Invitae), Labcorp
Classification: Uncertain significance for Charcot-Marie-Tooth disease axonal type 2Z. Last evaluated: 2024-02-06. Review status: criteria provided, single submitter. Criteria: Invitae Variant Classification Sherloc (09022015). Collection method: clinical testing. Allele origin: germline.
Comment: This sequence change replaces serine, which is neutral and polar, with glycine, which is neutral and non-polar, at codon 735 of the MORC2 protein (p.Ser735Gly). The frequency data for this variant in the population databases is considered unreliable, as metrics indicate poor data quality at this position in the gnomAD database. This variant has not been reported in the literature in individuals affected with MORC2-related conditions. ClinVar contains an entry for this variant (Variation ID: 849457). Advanced modeling of protein sequence and biophysical properties (such as structural, functional, and spatial information, amino acid conservation, physicochemical variation, residue mobility, and thermodynamic stability) performed at Invitae indicates that this missense variant is not expected to disrupt MORC2 protein function with a negative predictive value of 95%. In summary, the available evidence is currently insufficient to determine the role of this variant in disease. Therefore, it has been classified as a Variant of Uncertain Significance.

NM_001303256.3(MORC2):c.2203A>G (p.Ser735Gly)

Gene: MORC2 (MORC family CW-type zinc finger 2; minus strand). Cytogenetic location: 22q12.2.
Variant type: single nucleotide variant.
Coding change: c.2203A>G on transcript NM_001303256.3 (MANE Select); coding-DNA position 2203, A replaced by G.
Protein change: p.Ser735Gly; replaces serine 735 with glycine.
Molecular consequence: missense variant.
Genome position (GRCh38, 1-based): chr22:30,934,182, T>C on the plus strand (A>G on the coding strand, the complement: MORC2 is on the minus strand). VCF-style: chr22-30934182-T-C. GRCh37 (hg19) VCF-style: chr22-31330169-T-C.
Other names: c.2203A>G, p.Ser735Gly (NM_001303257.2); c.2017A>G, p.Ser673Gly (NM_014941.3); short protein forms S735G, S673G.
Identifiers: ClinVar variation 849457 (VCV000849457.9), dbSNP rs186049675, ClinGen allele CA10186736.
Genomic context (GRCh38, chr22:30,934,182, plus strand): 5'-TCCTCTCAGCTTCCTCCTCAACTTCTTCCTCATCAGAAACTGCGACACTCCGCTTCCGAC[T>C]AGGGGTAGCCTAGAGCAAGAGGAGCGTGAGGATGTGAGGGGCCCTGTTCAGCCTCTAAGG-3'
Protein context (NP_001290185.1, residues 725-745): SPIKLSPATP[Ser735Gly]RKRSVAVSDE